The following is an entry in ClinVar:

NM_001330260.2(SCN8A):c.628T>C (p.Phe210Leu)

Gene: SCN8A (sodium voltage-gated channel alpha subunit 8; plus strand). Cytogenetic location: 12q13.13.
Variant type: single nucleotide variant.
Coding change: c.628T>C on transcript NM_001330260.2 (MANE Select); coding-DNA position 628, T replaced by C.
Protein change: p.Phe210Leu; replaces phenylalanine 210 with leucine.
Molecular consequence: missense variant. On other transcripts: intron variant (2).
Genome position (GRCh38, 1-based): chr12:51,689,018, T>C. VCF-style: chr12-51689018-T-C. GRCh37 (hg19) VCF-style: chr12-52082802-T-C.
Other names: c.628T>C, p.Phe210Leu (NM_001369788.1); c.706+169T>C (NM_014191.4, NM_001177984.3); short protein forms F210L.
Identifiers: ClinVar variation 3635180 (VCV003635180.2).
Genomic context (GRCh38, chr12:51,689,018, plus strand): 5'-TGTCTGTGTTTGTCACTTGTGTCTGTGTGTGACCTCCCTTACTACAGATATGTGACAGAG[T>C]TTGTGGACCTGGGCAATGTCTCAGCGCTGAGAACATTCAGGGTTCTCCGAGCTTTGAAAA-3'
Protein context (NP_001317189.1, residues 200-220): SVIMMAYVTE[Phe210Leu]VDLGNVSALR

ClinVar aggregate classification (germline): Uncertain significance (1 of 4 stars; one submission).

Conditions:
Early-infantile DEE. Also called: Early infantile epileptic encephalopathy; Ohtahara syndrome; Early infantile epileptic encephalopathy with suppression bursts. Identifiers: Orphanet 1934, MedGen C0393706, MONDO:0800491.

Submission:

Labcorp Genetics (formerly Invitae), Labcorp
Classification: Uncertain significance for Early-infantile DEE. Last evaluated: 2024-11-02. Review status: criteria provided, single submitter. Criteria: Invitae Variant Classification Sherloc (09022015). Collection method: clinical testing. Allele origin: germline.
Comment: The SCN8A gene has multiple clinically relevant transcripts. This variant occurs in alternate transcript NM_001330260.1, and corresponds to NM_014191.3:c.706+169T>C in the primary transcript. This sequence change replaces phenylalanine, which is neutral and non-polar, with leucine, which is neutral and non-polar, at codon 210 of the SCN8A protein (p.Phe210Leu). This variant is not present in population databases (gnomAD no frequency). This variant has not been reported in the literature in individuals affected with SCN8A-related conditions. Algorithms developed to predict the effect of sequence changes on RNA splicing suggest that this variant is not likely to affect RNA splicing. In summary, the available evidence is currently insufficient to determine the role of this variant in disease. Therefore, it has been classified as a Variant of Uncertain Significance.